The following is an entry in ClinVar:

NM_001267550.2(TTN):c.27302C>T (p.Ser9101Phe)

Gene: TTN (titin; minus strand). Cytogenetic location: 2q31.2.
Variant type: single nucleotide variant.
Coding change: c.27302C>T on transcript NM_001267550.2 (MANE Select); coding-DNA position 27302, C replaced by T.
Protein change: p.Ser9101Phe; replaces serine 9101 with phenylalanine.
Molecular consequence: missense variant. On other transcripts: intron variant (3).
Genome position (GRCh38, 1-based): chr2:178,712,723, G>A on the plus strand (C>T on the coding strand, the complement: TTN is on the minus strand). VCF-style: chr2-178712723-G-A. GRCh37 (hg19) VCF-style: chr2-179577450-G-A.
Other names: c.26351C>T, p.Ser8784Phe (NM_001256850.1); c.23570C>T, p.Ser7857Phe (NM_133378.4); c.13282+25359C>T (NM_003319.4); c.13858+25359C>T (NM_133437.4); c.13657+25359C>T (NM_133432.3); short protein forms S7857F, S8784F, S9101F.
Identifiers: ClinVar variation 3767582 (VCV003767582.1).

ClinVar aggregate classification (germline): Uncertain significance (1 of 4 stars; one submission).

Submission:

GeneDx
Classification: Uncertain significance. Last evaluated: 2024-09-05. Review status: criteria provided, single submitter. Criteria: GeneDx Variant Classification Process June 2021. Collection method: clinical testing. Allele origin: germline. Affected: yes.
Comment: Has not been previously published as pathogenic or benign to our knowledge; Not observed at significant frequency in large population cohorts (gnomAD); Missense variant in a gene in which most reported pathogenic variants are truncating/loss of function